The following is an entry in ClinVar:

NM_003738.5(PTCH2):c.275G>A (p.Arg92Gln)

Gene: PTCH2 (patched 2; minus strand). Cytogenetic location: 1p34.1.
Variant type: single nucleotide variant.
Coding change: c.275G>A on transcript NM_003738.5 (MANE Select); coding-DNA position 275, G replaced by A.
Protein change: p.Arg92Gln; replaces arginine 92 with glutamine.
Molecular consequence: missense variant.
Genome position (GRCh38, 1-based): chr1:44,832,332, C>T on the plus strand (G>A on the coding strand, the complement: PTCH2 is on the minus strand). VCF-style: chr1-44832332-C-T. GRCh37 (hg19) VCF-style: chr1-45298004-C-T.
Other names: c.275G>A, p.Arg92Gln (NM_001166292.2); short protein forms R92Q.
Identifiers: ClinVar variation 972001 (VCV000972001.12), dbSNP rs778736481, ClinGen allele CA823681.

ClinVar aggregate classification (germline): Uncertain significance. Review status: criteria provided, multiple submitters, no conflicts (2 of 4 stars). 2 submissions from 2 submitters: Uncertain significance (2). Last evaluated 2025-08-28.

Conditions:
Gorlin syndrome. Also called: Basal cell nevus syndrome; Nevoid Basal Cell Carcinoma Syndrome. Identifiers: Orphanet 377, MedGen C0004779, MONDO:0007187.

Allele frequency attached by ClinVar (database versions not stated): ExAC 0.00002; gnomAD 0.00002 and 0.00003; gnomAD exomes 0.00002; TOPMed 0.00004.
gnomAD v4.1: 47 of 1,614,112 alleles (0.0029%); highest among the groups gnomAD compares: South Asian, 0.0088%; no homozygotes.

Submissions (2):

Ambry Genetics
Classification: Uncertain significance. Last evaluated: 2025-08-28. Review status: criteria provided, single submitter. Criteria: Ambry Variant Classification Scheme 2023. Collection method: clinical testing. Allele origin: germline.

Labcorp Genetics (formerly Invitae), Labcorp
Classification: Uncertain significance for Gorlin syndrome. Last evaluated: 2024-02-15. Review status: criteria provided, single submitter. Criteria: Invitae Variant Classification Sherloc (09022015). Collection method: clinical testing. Allele origin: germline.
Comment: This sequence change replaces arginine, which is basic and polar, with glutamine, which is neutral and polar, at codon 92 of the PTCH2 protein (p.Arg92Gln). This variant is present in population databases (rs778736481, gnomAD 0.01%). This variant has not been reported in the literature in individuals affected with PTCH2-related conditions. ClinVar contains an entry for this variant (Variation ID: 972001). Advanced modeling of protein sequence and biophysical properties (such as structural, functional, and spatial information, amino acid conservation, physicochemical variation, residue mobility, and thermodynamic stability) performed at Invitae indicates that this missense variant is expected to disrupt PTCH2 protein function with a positive predictive value of 80%. In summary, the available evidence is currently insufficient to determine the role of this variant in disease. Therefore, it has been classified as a Variant of Uncertain Significance.